The following is an entry in ClinVar:

NM_024529.5(CDC73):c.307+3G>A

Gene: CDC73 (cell division cycle 73; plus strand). Cytogenetic location: 1q31.2.
Variant type: single nucleotide variant.
Coding change: c.307+3G>A on transcript NM_024529.5 (MANE Select); 3 bases into the intron after coding-DNA position 307, G replaced by A.
Molecular consequence: intron variant.
Genome position (GRCh38, 1-based): chr1:193,130,246, G>A. VCF-style: chr1-193130246-G-A. GRCh37 (hg19) VCF-style: chr1-193099376-G-A.
Identifiers: ClinVar variation 2130975 (VCV002130975.4), dbSNP rs2103117992, ClinGen allele CA2580061783.

ClinVar aggregate classification (germline): Uncertain significance (1 of 4 stars; one submission).

Conditions:
Parathyroid carcinoma (PRTC). Also called: Parathyroid gland carcinoma; CDC73-Related Parathyroid Carcinoma. Identifiers: Orphanet 143, MedGen C0687150, MONDO:0012004, OMIM 608266, HP:0006780.

Submission:

Labcorp Genetics (formerly Invitae), Labcorp
Classification: Uncertain significance for Parathyroid carcinoma. Last evaluated: 2022-04-27. Review status: criteria provided, single submitter. Criteria: Invitae Variant Classification Sherloc (09022015). Collection method: clinical testing. Allele origin: germline.
Comment: In summary, the available evidence is currently insufficient to determine the role of this variant in disease. Therefore, it has been classified as a Variant of Uncertain Significance. Variants that disrupt the consensus splice site are a relatively common cause of aberrant splicing (PMID: 17576681, 9536098). Algorithms developed to predict the effect of sequence changes on RNA splicing suggest that this variant is not likely to affect RNA splicing. This variant has not been reported in the literature in individuals affected with CDC73-related conditions. This variant is not present in population databases (gnomAD no frequency). This sequence change falls in intron 3 of the CDC73 gene. It does not directly change the encoded amino acid sequence of the CDC73 protein. It affects a nucleotide within the consensus splice site.

Literature cited by the submitters: PubMed 17576681; PubMed 9536098.